The following is an entry in ClinVar:

ClinVar aggregate classification (germline): Pathogenic/Likely pathogenic. Review status: criteria provided, multiple submitters, no conflicts (2 of 4 stars). 12 submissions from 12 submitters: Pathogenic (5); Likely pathogenic (5). 2 of the submissions do not count toward it. Last evaluated 2026-09-01.

Conditions:
SPAST-related disorder. Also called: SPAST-related condition.
Hereditary spastic paraplegia 4. Also called: Spastic paraplegia 4, autosomal dominant; Spastic Paraplegia 4; Familial spastic paraplegia autosomal dominant 2. Identifiers: Orphanet 100985, MedGen C1866855, MONDO:0008438, OMIM 182601.

Submissions (12):

GeneDx
Classification: Likely pathogenic. Last evaluated: 2026-09-01. Review status: criteria provided, single submitter. Criteria: GeneDx Variant Classification Process June 2021. Collection method: clinical testing. Allele origin: germline.
Comment: Not observed at significant frequency in large population cohorts (gnomAD); In silico analysis supports that this missense variant has a deleterious effect on protein structure/function; This variant is associated with the following publications: (PMID: 11843700, 24824479, 16832076, 18701882, 22960362, 19875132, 31594988, 30476002, 35487127, 29980238, 23252998, 31227335, 32619247, 36923789, 37273706, 34983064, 21139634, 26094131, 29934652, 27334366, 25045380)

Labcorp Genetics (formerly Invitae), Labcorp
Classification: Pathogenic for Hereditary spastic paraplegia 4. Last evaluated: 2025-07-21. Review status: criteria provided, single submitter. Criteria: Invitae Variant Classification Sherloc (09022015). Collection method: clinical testing. Allele origin: germline.
Comment: This sequence change replaces serine, which is neutral and polar, with leucine, which is neutral and non-polar, at codon 399 of the SPAST protein (p.Ser399Leu). This variant is not present in population databases (gnomAD no frequency). This missense change has been observed in individuals with hereditary spastic paraplegia (PMID: 11843700, 16832076, 18701882, 19875132, 22960362, 24824479, 25045380, 27334366, 29934652, 29980238). Invitae Evidence Modeling of clinical and family history, age, sex, and reported ancestry of multiple individuals with this SPAST variant has been performed. This variant is expected to be pathogenic with a positive predictive value of at least 99%. This is a validated machine learning model that incorporates the clinical features of 4,195 individuals referred to our laboratory for SPAST testing. ClinVar contains an entry for this variant (Variation ID: 448442). Invitae Evidence Modeling of protein sequence and biophysical properties (such as structural, functional, and spatial information, amino acid conservation, physicochemical variation, residue mobility, and thermodynamic stability) has been performed for this missense variant. However, the output from this modeling did not meet the statistical confidence thresholds required to predict the impact of this variant on SPAST protein function. For these reasons, this variant has been classified as Pathogenic.

Institute of Medical Genetics and Applied Genomics, University Hospital Tübingen
Classification: Likely pathogenic for Hereditary spastic paraplegia 4. Last evaluated: 2024-12-20. Review status: criteria provided, single submitter. Criteria: ACMG Guidelines, 2015. Collection method: clinical testing. Allele origin: germline. Inheritance: Autosomal dominant inheritance. Affected: yes.

CeGaT Center for Human Genetics Tuebingen
Classification: Likely pathogenic. Last evaluated: 2024-11-01. Review status: criteria provided, single submitter. Criteria: CeGaT Center For Human Genetics Tuebingen Variant Classification Criteria Version 2. Collection method: clinical testing. Allele origin: germline. Affected: yes. Observed: 1 variant allele.
Comment: SPAST: PM1, PM2, PS4:Moderate, PP2

Blueprint Genetics
Classification: Pathogenic for SPAST-related disorders. Last evaluated: 2024-03-11. Review status: criteria provided, single submitter. Criteria: ACMG Guidelines, 2015. Collection method: clinical testing. Allele origin: germline. Affected: yes. Observed: 3 variant alleles.

Athena Diagnostics
Classification: Pathogenic. Last evaluated: 2024-01-26. Review status: criteria provided, single submitter. Criteria: Athena Diagnostics Criteria. Collection method: clinical testing. Allele origin: unknown.
Comment: This variant has not been reported in large, multi-ethnic general populations. This variant has been identified in multiple unrelated individuals with clinical features associated with this gene. Polyphen and MutationTaster predict this amino acid change may be damaging to the protein. The variant is located in a region that is considered important for protein function and/or structure.

Fulgent Genetics
Classification: Likely pathogenic for Hereditary spastic paraplegia 4. Last evaluated: 2024-01-16. Review status: criteria provided, single submitter. Criteria: ACMG Guidelines, 2015. Collection method: clinical testing. Allele origin: germline.

Victorian Clinical Genetics Services, Murdoch Childrens Research Institute
Classification: Pathogenic for Hereditary spastic paraplegia 4. Last evaluated: 2021-05-06. Review status: criteria provided, single submitter. Criteria: ACMG Guidelines, 2015. Collection method: clinical testing. Allele origin: germline. Inheritance: Autosomal dominant inheritance. Affected: yes.
Comment: Based on the classification scheme VCGS_Germline_v1.3.4, this variant is classified as Pathogenic. Following criteria are met: 0103 - Dominant negative and loss of function are known mechanisms of disease for this gene and are associated with spastic paraplegia 4 (MIM#182601). Multiple loss of function variants have been reported, while a dominant negative mechanism has been stipulated for a small number of missense variants (ClinVar; PMID: 30006150). (I) 0107 - This gene is associated with autosomal dominant disease. (I) 0112 - The condition associated with this gene has incomplete penetrance, but this is age-dependent and only a small proportion of individuals remain asymptomatic (PMID: 30476002). (I) 0115 - Variants in this gene are known to have variable expressivity, with variable age of onset and disease severity (PMID: 30476002). (I) 0200 - Variant is predicted to result in a missense amino acid change from serine to leucine. (I) 0251 - This variant is heterozygous. (I) 0301 - Variant is absent from gnomAD (both v2 and v3). (SP) 0501 - Missense variant consistently predicted to be damaging by multiple in silico tools or highly conserved with a major amino acid change. (SP) 0603 - Missense variant in a region that is highly intolerant to missense variation (high constraint region in DECIPHER) (AAA cassette, PMID: 29980238). (SP) 0710 - Another missense variant comparable to the one identified in this case has inconclusive previous evidence for pathogenicity. This alternative change (p.Ser399Trp) has been reported as a VUS (ClinVar). (I) 0801 - This variant has strong previous evidence of pathogenicity in unrelated individuals. This variant has been reported as pathogenic and likely pathogenic, in multiple patients with hereditary spastic paraplegia (ClinVar, LOVD, PMID: 29980238, PMID: 31594988, PMID: 25045380; PMID: 24824479). (SP) 1208 - Inheritance information for this variant is not currently available in this individual. (I) Legend: (SP) - Supporting pathogenic, (I) - Information, (SB) - Supporting benign

Mayo Clinic Laboratories, Mayo Clinic
Classification: Likely pathogenic. Last evaluated: 2019-04-01. Review status: criteria provided, single submitter. Criteria: ACMG Guidelines, 2015. Collection method: clinical testing. Allele origin: germline. Observed: 1 variant allele.

Paris Brain Institute, Inserm - ICM
Classification: Pathogenic for Hereditary spastic paraplegia 4. Review status: criteria provided, single submitter. Criteria: ACMG Guidelines, 2015. Collection method: clinical testing. Allele origin: unknown. Affected: yes. Observed: 2 variant alleles.

Diagnostic Laboratory, Department of Genetics, University Medical Center Groningen
Classification: Pathogenic. Review status: no assertion criteria provided. Collection method: clinical testing. Allele origin: germline. Affected: yes. Study: VKGL Data-share Consensus. Not counted in ClinVar's aggregate classification.

Genome Diagnostics Laboratory, Amsterdam University Medical Center
Classification: Likely pathogenic. Review status: no assertion criteria provided. Collection method: clinical testing. Allele origin: germline. Affected: yes. Study: VKGL Data-share Consensus. Not counted in ClinVar's aggregate classification.

Literature cited by the submitters: PubMed 11843700 (cited by 3 submitters); PubMed 16832076 (cited by 3 submitters); PubMed 18701882 (cited by 3 submitters); PubMed 19875132 (cited by 3 submitters); PubMed 22960362 (cited by 3 submitters); PubMed 24824479 (cited by 4 submitters); PubMed 25045380 (cited by 4 submitters); PubMed 27334366 (cited by 3 submitters); PubMed 29934652 (cited by Labcorp Genetics (formerly Invitae), Labcorp); PubMed 29980238 (cited by 4 submitters); PubMed 31594988 (cited by Athena Diagnostics and Victorian Clinical Genetics Services, Murdoch Childrens Research Institute); PubMed 30476002 (cited by Athena Diagnostics and Victorian Clinical Genetics Services, Murdoch Childrens Research Institute); PubMed 23252998 (cited by Athena Diagnostics and Mayo Clinic Laboratories, Mayo Clinic); PubMed 34983064 (cited by Athena Diagnostics); PubMed 35487127 (cited by Athena Diagnostics); PubMed 30006150 (cited by Victorian Clinical Genetics Services, Murdoch Childrens Research Institute).

NM_014946.4(SPAST):c.1196C>T (p.Ser399Leu)

Gene: SPAST (spastin; plus strand). Cytogenetic location: 2p22.3.
Variant type: single nucleotide variant.
Coding change: c.1196C>T on transcript NM_014946.4 (MANE Select); coding-DNA position 1196, C replaced by T.
Protein change: p.Ser399Leu; replaces serine 399 with leucine.
Molecular consequence: missense variant.
Genome position (GRCh38, 1-based): chr2:32,128,430, C>T. VCF-style: chr2-32128430-C-T. GRCh37 (hg19) VCF-style: chr2-32353499-C-T.
Other names: c.1193C>T, p.Ser398Leu (NM_001363823.2); c.1097C>T, p.Ser366Leu (NM_001363875.2); c.1100C>T, p.Ser367Leu (NM_001377959.1, NM_199436.2); short protein forms S399L, S398L, S366L, S367L.
Identifiers: ClinVar variation 448442 (VCV000448442.48), dbSNP rs1553317025, ClinGen allele CA346501410.